The following is an entry in ClinVar:

ClinVar aggregate classification (germline): Pathogenic (1 of 4 stars; one submission).

Conditions:
Neonatal-onset encephalopathy with rigidity and seizures. Also called: Lethal neonatal spasticity-epileptic encephalopathy syndrome. Identifiers: Orphanet 435845, MedGen C3281029, MONDO:0013784, OMIM 614498.

Submission:

Labcorp Genetics (formerly Invitae), Labcorp
Classification: Pathogenic for Neonatal-onset encephalopathy with rigidity and seizures. Last evaluated: 2025-01-05. Review status: criteria provided, single submitter. Criteria: Invitae Variant Classification Sherloc (09022015). Collection method: clinical testing. Allele origin: germline.
Comment: This sequence change creates a premature translational stop signal (p.Leu493Profs*45) in the BRAT1 gene. It is expected to result in an absent or disrupted protein product. Loss-of-function variants in BRAT1 are known to be pathogenic (PMID: 22279524, 25500575). This variant is not present in population databases (gnomAD no frequency). This premature translational stop signal has been observed in individual(s) with BRAT1-related conditions (PMID: 33820833). For these reasons, this variant has been classified as Pathogenic.

Literature cited by the submitters: PubMed 22279524; PubMed 25500575; PubMed 33820833.

NM_152743.4(BRAT1):c.1472_1475dup (p.Leu493fs)

Gene: BRAT1 (BRCA1 associated ATM activator 1; minus strand). Cytogenetic location: 7p22.3.
Variant type: Duplication.
Coding change: c.1472_1475dup on transcript NM_152743.4 (MANE Select); coding-DNA positions 1472 to 1475, 4 bases duplicated (GCCC; older notation c.1472_1475dupGCCC).
Protein change: p.Leu493fs; shifts the reading frame from leucine 493.
Molecular consequence: frameshift variant. On other transcripts: non-coding transcript variant (1).
Genome position (GRCh38, 1-based): chr7:2,539,809-2,539,812, GGGC duplicated on the plus strand (GCCC on the coding strand, the reverse complement: BRAT1 is on the minus strand). VCF-style (leftmost placement, unchanged base first): chr7-2539808-G-GGGGC. GRCh37 (hg19) VCF-style: chr7-2579442-G-GGGGC.
Other names: c.1472_1475dup, p.Leu493fs (NM_001350626.2); c.947_950dup, p.Leu318fs (NM_001350627.2); short protein forms L318fs, L493fs.
Identifiers: ClinVar variation 3631855 (VCV003631855.2).